The following is an entry in ClinVar:

NM_003579.4(RAD54L):c.1378C>T (p.Pro460Ser)

Gene: RAD54L (RAD54 like; plus strand). Cytogenetic location: 1p34.1.
Variant type: single nucleotide variant.
Coding change: c.1378C>T on transcript NM_003579.4 (MANE Select); coding-DNA position 1378, C replaced by T.
Protein change: p.Pro460Ser; replaces proline 460 with serine.
Molecular consequence: missense variant.
Genome position (GRCh38, 1-based): chr1:46,273,357, C>T. VCF-style: chr1-46273357-C-T. GRCh37 (hg19) VCF-style: chr1-46739029-C-T.
Other names: c.1378C>T, p.Pro460Ser (NM_001142548.2); c.838C>T, p.Pro280Ser (NM_001370766.1); short protein forms P460S, P280S.
Identifiers: ClinVar variation 1771216 (VCV001771216.3), dbSNP rs199725042, ClinGen allele CA834595.

ClinVar aggregate classification (germline): Uncertain significance (1 of 4 stars; one submission).

Allele frequency attached by ClinVar (database versions not stated): ExAC 0.00002; gnomAD exomes 0.00002; TOPMed 0.00002; gnomAD 0.00003; 1000 Genomes Project 30x 0.00016; 1000 Genomes Project 0.00020.
gnomAD v4.1: 28 of 1,609,640 alleles (0.0017%); highest among the groups gnomAD compares: Non-Finnish European, 0.0022%; no homozygotes.

Submission:

Ambry Genetics
Classification: Uncertain significance. Last evaluated: 2024-04-25. Review status: criteria provided, single submitter. Criteria: Ambry Variant Classification Scheme 2023. Collection method: clinical testing. Allele origin: germline.
Comment: The p.P460S variant (also known as c.1378C>T), located in coding exon 13 of the RAD54L gene, results from a C to T substitution at nucleotide position 1378. The proline at codon 460 is replaced by serine, an amino acid with similar properties. This amino acid position is conserved. In addition, this alteration is predicted to be deleterious by in silico analysis. Since supporting evidence is limited at this time, the clinical significance of this alteration remains unclear.